The following is an entry in ClinVar:

NM_152383.5(DIS3L2):c.92C>T (p.Ser31Leu)

Gene: DIS3L2 (DIS3 like 3'-5' exoribonuclease 2; plus strand). Cytogenetic location: 2q37.1.
Variant type: single nucleotide variant.
Coding change: c.92C>T on transcript NM_152383.5 (MANE Select); coding-DNA position 92, C replaced by T.
Protein change: p.Ser31Leu; replaces serine 31 with leucine.
Molecular consequence: missense variant. On other transcripts: non-coding transcript variant (2).
Genome position (GRCh38, 1-based): chr2:232,015,553, C>T. VCF-style: chr2-232015553-C-T. GRCh37 (hg19) VCF-style: chr2-232880263-C-T.
Other names: c.92C>T, p.Ser31Leu (NM_001257281.2, NM_001257282.2); short protein forms S31L.
Identifiers: ClinVar variation 463134 (VCV000463134.11), dbSNP rs901797759, ClinGen allele CA67499251.

ClinVar aggregate classification (germline): Uncertain significance. Review status: criteria provided, multiple submitters, no conflicts (2 of 4 stars). 2 submissions from 2 submitters: Uncertain significance (2). Last evaluated 2024-04-15.

Conditions:
Perlman syndrome (PRLMNS). Identifiers: Orphanet 2849, MedGen C0796113, MONDO:0009965, OMIM 267000.

Allele frequency attached by ClinVar (database versions not stated): TOPMed below 0.00001; gnomAD exomes 0.00001.
gnomAD v4.1: 17 of 1,613,868 alleles (0.0011%); highest among the groups gnomAD compares: Middle Eastern, 0.017%; no homozygotes.

Submissions (2):

Labcorp Genetics (formerly Invitae), Labcorp
Classification: Uncertain significance for Perlman syndrome. Last evaluated: 2024-04-15. Review status: criteria provided, single submitter. Criteria: Invitae Variant Classification Sherloc (09022015). Collection method: clinical testing. Allele origin: germline.
Comment: This sequence change replaces serine, which is neutral and polar, with leucine, which is neutral and non-polar, at codon 31 of the DIS3L2 protein (p.Ser31Leu). This variant is not present in population databases (gnomAD no frequency). This variant has not been reported in the literature in individuals affected with DIS3L2-related conditions. ClinVar contains an entry for this variant (Variation ID: 463134). An algorithm developed to predict the effect of missense changes on protein structure and function (PolyPhen-2) suggests that this variant is likely to be tolerated. In summary, the available evidence is currently insufficient to determine the role of this variant in disease. Therefore, it has been classified as a Variant of Uncertain Significance.

Fulgent Genetics
Classification: Uncertain significance for Perlman syndrome. Last evaluated: 2018-10-31. Review status: criteria provided, single submitter. Criteria: ACMG Guidelines, 2015. Collection method: clinical testing. Allele origin: unknown.